The following is an entry in ClinVar:

NM_000551.4(VHL):c.551T>C (p.Leu184Pro)

Genes: VHL (von Hippel-Lindau tumor suppressor; plus strand), LOC107303340 (3p25 von Hippel-Lindau tumor suppressor, E3 ubiquitin protein ligase Alu-mediated recombination region; plus strand). Cytogenetic location: 3p25.3.
Variant type: single nucleotide variant.
Coding change: c.551T>C on transcript NM_000551.4 (MANE Select); coding-DNA position 551, T replaced by C.
Protein change: p.Leu184Pro; replaces leucine 184 with proline.
Molecular consequence: missense variant. On other transcripts: 3 prime UTR variant (1).
Genome position (GRCh38, 1-based): chr3:10,149,874, T>C. VCF-style: chr3-10149874-T-C. GRCh37 (hg19) VCF-style: chr3-10191558-T-C.
Other names: c.*105T>C (NM_001354723.2); c.428T>C, p.Leu143Pro (NM_198156.3); short protein forms L184P, L143P.
Identifiers: ClinVar variation 419447 (VCV000419447.8), dbSNP rs1064793878, ClinGen allele CA16617792.

ClinVar aggregate classification (germline): Pathogenic/Likely pathogenic. Review status: criteria provided, multiple submitters, no conflicts (2 of 4 stars). 4 submissions from 4 submitters: Pathogenic (1); Likely pathogenic (2). 1 of the submissions does not count toward it. Last evaluated 2024-07-31.

Conditions:
Chuvash polycythemia. Also called: POLYCYTHEMIA, VHL-DEPENDENT. Identifiers: Orphanet 238557, MedGen C1837915, MONDO:0009892, OMIM 263400.
Von Hippel-Lindau syndrome (VHLS). Also called: VHL syndrome; Von Hippel-Lindau; von Hippel–Lindau syndrome. Identifiers: Orphanet 892, MedGen C0019562, MONDO:0008667, OMIM 193300. Disease mechanism: loss of function.

Submissions (4):

Labcorp Genetics (formerly Invitae), Labcorp
Classification: Likely pathogenic for Von Hippel-Lindau syndrome; Chuvash polycythemia. Last evaluated: 2024-07-31. Review status: criteria provided, single submitter. Criteria: Invitae Variant Classification Sherloc (09022015). Collection method: clinical testing. Allele origin: germline.
Comment: This sequence change replaces leucine, which is neutral and non-polar, with proline, which is neutral and non-polar, at codon 184 of the VHL protein (p.Leu184Pro). This variant is not present in population databases (gnomAD no frequency). This missense change has been observed in individual(s) with von Hippel-Lindau syndrome (PMID: 14722919, 35441217). This variant is also known as 479 T to C. ClinVar contains an entry for this variant (Variation ID: 419447). Advanced modeling of protein sequence and biophysical properties (such as structural, functional, and spatial information, amino acid conservation, physicochemical variation, residue mobility, and thermodynamic stability) performed at Invitae indicates that this missense variant is expected to disrupt VHL protein function with a positive predictive value of 95%. Experimental studies have shown that this missense change affects VHL function (PMID: 28775317). In summary, the currently available evidence indicates that the variant is pathogenic, but additional data are needed to prove that conclusively. Therefore, this variant has been classified as Likely Pathogenic.

Human Genome Sequencing Center Clinical Lab, Baylor College of Medicine
Classification: Likely pathogenic for Von Hippel-Lindau disease. Last evaluated: 2020-02-12. Review status: criteria provided, single submitter. Criteria: ACMG Guidelines, 2015. Collection method: clinical testing. Allele origin: germline. Affected: yes.
Comment: This c. 551T>C variant in the VHL gene replaces leucine with proline at codon 184 of the VHL protein (p.Leu184Pro). This variant has been reported in individuals with Von Hippel-Lindau disease and sporadic conventional renal cell carcinoma (PMID: 8956040, 9681856, 9829911, 10408776, 14722919, 19996202, 22825683, 26763786). This variant is absent from general population databases (gnomAD). Another variant that disrupts the same residue (p.Leu184Arg) has been reported in individual affected with Von Hippel-Lindau disease (PMID: 9681856). Multiple lines of in silico algorithms have predicted this p.Leu184Pro variant may be deleterious. Therefore, this c.551T>C variant is classified as likely pathogenic

GeneDx
Classification: Pathogenic. Last evaluated: 2015-07-28. Review status: criteria provided, single submitter. Criteria: GeneDx Variant Classification (06012015). Collection method: clinical testing. Allele origin: germline. Affected: yes.
Comment: The L184P variant has been published previously in association von Hippel-Lindau disease without pheochromocytoma(Zbar et al., 1996). It was not observed in approximately 6,500 individuals of European and African Americanancestry in the NHLBI Exome Sequencing Project, indicating it is not a common benign variant in thesepopulations. L184P is a semi-conservative amino acid substitution, which may impact secondary proteinstructure as these residues differ in some properties. This substitution occurs at a position that is conservedacross species and in-silico analysis predicts this variant is probably damaging to the proteinstructure/function. In addition, missense variants at the same codon (L184R/H) and in nearby residues(S183L, D179N, I180V, E186K, L188V/P/R/E) have also been reported in the Human Gene MutationDatabase in association with VHL-related disorders (Stenson et al., 2014), supporting the functionalimportance of this region of the protein. Therefore, we consider the L184P variant to be pathogenic.

Clinical Genomics Labs, University Health Network
Classification: Likely pathogenic for Von Hippel-Lindau syndrome. Last evaluated: 2020-09-14. Review status: no assertion criteria provided. Criteria: ACMG Guidelines, 2015. Collection method: clinical testing. Allele origin: germline. Not counted in ClinVar's aggregate classification.

Literature cited by the submitters: PubMed 14722919 (cited by Labcorp Genetics (formerly Invitae), Labcorp); PubMed 35441217 (cited by Labcorp Genetics (formerly Invitae), Labcorp); PubMed 28775317 (cited by Labcorp Genetics (formerly Invitae), Labcorp).